The following is an entry in ClinVar:

ClinVar aggregate classification (germline): Uncertain significance (1 of 4 stars; one submission).

Conditions:
Hereditary cancer-predisposing syndrome. Also called: Neoplastic Syndromes, Hereditary; Tumor predisposition; Hereditary neoplastic syndrome; Hereditary Cancer Syndrome. Identifiers: Orphanet 140162, MedGen C0027672, MeSH D009386, MONDO:0015356.

Submission:

Ambry Genetics
Classification: Uncertain significance for Hereditary cancer-predisposing syndrome. Last evaluated: 2026-07-07. Review status: criteria provided, single submitter. Criteria: Ambry Variant Classification Scheme 2023. Collection method: clinical testing. Allele origin: germline.
Comment: The p.R99G variant (also known as c.295A>G), located in coding exon 3 of the BARD1 gene, results from an A to G substitution at nucleotide position 295. The arginine at codon 99 is replaced by glycine, an amino acid with dissimilar properties. This amino acid position is conserved. In addition, the in silico prediction for this alteration is inconclusive. Based on the available evidence, the clinical significance of this variant remains unclear.

NM_000465.4(BARD1):c.295A>G (p.Arg99Gly)

Gene: BARD1 (BRCA1 associated RING domain 1; minus strand). Cytogenetic location: 2q35.
Variant type: single nucleotide variant.
Coding change: c.295A>G on transcript NM_000465.4 (MANE Select); coding-DNA position 295, A replaced by G.
Protein change: p.Arg99Gly; replaces arginine 99 with glycine.
Molecular consequence: missense variant. On other transcripts: non-coding transcript variant (1), intron variant (2).
Genome position (GRCh38, 1-based): chr2:214,792,366, T>C on the plus strand (A>G on the coding strand, the complement: BARD1 is on the minus strand). VCF-style: chr2-214792366-T-C. GRCh37 (hg19) VCF-style: chr2-215657090-T-C.
Other names: c.238A>G, p.Arg80Gly (NM_001282543.2); c.295A>G, p.Arg99Gly (NM_001282549.2); c.158+17046A>G (NM_001282548.2); c.215+4695A>G (NM_001282545.2); short protein forms R80G, R99G.
Identifiers: ClinVar variation 5032797 (VCV005032797.1).